The following is an entry in ClinVar:

ClinVar aggregate classification (germline): Pathogenic (1 of 4 stars; one submission).

Conditions:
Pyruvate carboxylase deficiency. Also called: PC DEFICIENCY; ATAXIA WITH LACTIC ACIDOSIS II; LEIGH NECROTIZING ENCEPHALOPATHY DUE TO PYRUVATE CARBOXYLASE DEFICIENCY; LEIGH SYNDROME DUE TO PYRUVATE CARBOXYLASE DEFICIENCY; Pyruvate Carboxylase Deficiency Disease. Identifiers: Orphanet 3008, MedGen C0034341, MONDO:0009949, OMIM 266150.

Submission:

Labcorp Genetics (formerly Invitae), Labcorp
Classification: Pathogenic for Pyruvate carboxylase deficiency. Last evaluated: 2021-03-22. Review status: criteria provided, single submitter. Criteria: Invitae Variant Classification Sherloc (09022015). Collection method: clinical testing. Allele origin: germline.
Comment: For these reasons, this variant has been classified as Pathogenic. Loss-of-function variants in PC are known to be pathogenic (PMID: 12112657, 19306334). This variant has not been reported in the literature in individuals with PC-related disease. This variant is not present in population databases (ExAC no frequency). This sequence change creates a premature translational stop signal (p.Ala125Thrfs*79) in the PC gene. It is expected to result in an absent or disrupted protein product.

Literature cited by the submitters: PubMed 12112657; PubMed 19306334.

NM_001040716.2(PC):c.372_375del (p.Ala125fs)

Gene: PC (pyruvate carboxylase; minus strand). Cytogenetic location: 11q13.2.
Variant type: Microsatellite.
Coding change: c.372_375del on transcript NM_001040716.2 (MANE Select); coding-DNA positions 372 to 375, 4 bases deleted (AGCG; older notation c.372_375delAGCG).
Protein change: p.Ala125fs; shifts the reading frame from alanine 125.
Molecular consequence: frameshift variant.
Genome position (GRCh38, 1-based): chr11:66,871,427-66,871,430, CGCT deleted on the plus strand (AGCG on the coding strand, the reverse complement: PC is on the minus strand); deleting any 4 consecutive bases within chr11:66,871,427-66,871,435 gives the same sequence; the c. name uses the placement nearest the transcript's 3' end. VCF-style (leftmost placement, unchanged base first): chr11-66871426-CCGCT-C. GRCh37 (hg19) VCF-style: chr11-66638897-CCGCT-C.
Other names: c.372_375del, p.Ala125fs (NM_000920.4, NM_022172.3); short protein forms A125fs.
Identifiers: ClinVar variation 575715 (VCV000575715.6), dbSNP rs1565245427, ClinGen allele CA891842894.
Genomic context (GRCh38, chr11:66,871,426, plus strand): 5'-CCACTTCTGGGCTTGGCCCAATAAACCGGACCCCTGCATCCTGGCAGGCCTGGGCGAAGT[CCGCT>C]CGCTCAGAGAGGAACCCGTAGCCAGGGTGCACTGCATCTACGTTGTTCTCCTGCAGGTGG-3'